The following is an entry in ClinVar:

ClinVar aggregate classification (germline): Pathogenic (1 of 4 stars; one submission).

Conditions:
Glycogen storage disease, type V (GSD5). Also called: MCARDLE DISEASE; MUSCLE GLYCOGEN PHOSPHORYLASE DEFICIENCY; MYOPHOSPHORYLASE DEFICIENCY; PYGM DEFICIENCY; McArdle type glycogen storage disease. Identifiers: Orphanet 368, MedGen C0017924, MONDO:0009293, OMIM 232600.

Submission:

Myriad Genetics, Inc.
Classification: Pathogenic for Glycogen storage disease, type V. Last evaluated: 2024-05-14. Review status: criteria provided, single submitter. Criteria: Myriad Autosomal Dominant, Autosomal Recessive and X-Linked Classification Criteria (2023). Collection method: clinical testing. Allele origin: unknown.
Comment: NM_005609.2(PYGM):c.105_106ins13(L36Cfs*46) is expected to be pathogenic in the context of glycogen storage disease, PYGM-related. This variant is predicted to lead to an abnormal or absent protein product due to the creation of a premature termination codon in PYGM, a gene where loss-of-function variants are known to be pathogenic. Please note: this variant was assessed in the context of healthy population screening.

NM_005609.4(PYGM):c.105_106insTGTCTCTTATACA (p.Leu36fs)

Gene: PYGM (glycogen phosphorylase, muscle associated; minus strand). Cytogenetic location: 11q13.1.
Variant type: Insertion.
Coding change: c.105_106insTGTCTCTTATACA on transcript NM_005609.4 (MANE Select); coding-DNA positions 105 to 106, TGTCTCTTATACA inserted.
Protein change: p.Leu36fs; shifts the reading frame from leucine 36.
Molecular consequence: frameshift variant.
Genome position: GRCh38 VCF-style: chr11-64759793-G-GTGTATAAGAGACA. GRCh37 (hg19) VCF-style: chr11-64527265-G-GTGTATAAGAGACA.
Other names: c.105_106insTGTCTCTTATACA, p.Leu36fs (NM_001164716.1); short protein forms L36fs.
Identifiers: ClinVar variation 5016419 (VCV005016419.1).